The following is an entry in ClinVar:

ClinVar aggregate classification (germline): Benign. Review status: criteria provided, multiple submitters, no conflicts (2 of 4 stars). 14 submissions from 14 submitters: Benign (10). 4 of the submissions do not count toward it. Last evaluated 2026-02-04.

Conditions:
Microcephaly 1, primary, autosomal recessive (MCPH1). Also called: PREMATURE CHROMOSOME CONDENSATION SYNDROME; PCC SYNDROME; PREMATURE CHROMOSOME CONDENSATION WITH MICROCEPHALY AND MENTAL RETARDATION. Identifiers: Orphanet 2512, MedGen C1855081, MONDO:0009617, OMIM 251200.

Allele frequency attached by ClinVar (database versions not stated): 1000 Genomes Project 30x 0.63695; gnomAD exomes 0.80176; 1000 Genomes Project 0.64477; TOPMed 0.65928; gnomAD 0.67053 and 0.67747; ESP Exome Variant Server 0.67577; ExAC 0.77136.
gnomAD v4.1: 1,273,060 of 1,613,834 alleles (79%); highest among the groups gnomAD compares: Admixed American, 83%; 511,578 homozygotes.

Submissions (14):

Labcorp Genetics (formerly Invitae), Labcorp
Classification: Benign. Last evaluated: 2026-02-04. Review status: criteria provided, single submitter. Criteria: Invitae Variant Classification Sherloc (09022015). Collection method: clinical testing. Allele origin: germline.

Women's Health and Genetics/Laboratory Corporation of America, LabCorp
Classification: Benign. Last evaluated: 2025-11-25. Review status: criteria provided, single submitter. Criteria: LabCorp Variant Classification Summary - May 2015. Collection method: clinical testing. Allele origin: germline.

Blueprint Genetics
Classification: Benign. Last evaluated: 2024-11-27. Review status: criteria provided, single submitter. Criteria: ACMG Guidelines, 2015. Collection method: clinical testing. Allele origin: germline.

Genome-Nilou Lab
Classification: Benign for Microcephaly 1, primary, autosomal recessive. Last evaluated: 2021-09-05. Review status: criteria provided, single submitter. Criteria: ACMG Guidelines, 2015. Collection method: clinical testing. Allele origin: germline. Affected: no.

Illumina Laboratory Services, Illumina
Classification: Benign for Microcephaly 1, primary, autosomal recessive. Last evaluated: 2018-01-13. Review status: criteria provided, single submitter. Criteria: ICSL Variant Classification Criteria 13 December 2019. Collection method: clinical testing. Allele origin: germline.
Comment: This variant was observed in the ICSL laboratory as part of a predisposition screen in an ostensibly healthy population. It had not been previously curated by ICSL or reported in the Human Gene Mutation Database (HGMD: prior to June 1st, 2018), and was therefore a candidate for classification through an automated scoring system. Utilizing variant allele frequency, disease prevalence and penetrance estimates, and inheritance mode, an automated score was calculated to assess if this variant is too frequent to cause the disease. Based on the score and internal cut-off values, a variant classified as benign is not then subjected to further curation. The score for this variant resulted in a classification of benign for this disease.

Athena Diagnostics
Classification: Benign. Last evaluated: 2017-08-02. Review status: criteria provided, single submitter. Criteria: Athena Diagnostics Criteria. Collection method: clinical testing. Allele origin: germline.

Clinical Genetics DNA and cytogenetics Diagnostics Lab, Erasmus MC, Erasmus Medical Center
Classification: Benign for Microcephaly 1, primary, autosomal recessive. Last evaluated: 2017-06-28. Review status: criteria provided, single submitter. Criteria: ACGS Guidelines, 2013. Collection method: clinical testing. Allele origin: germline. Affected: yes. Study: VKGL Data-share Consensus.

GeneDx
Classification: Benign. Last evaluated: 2015-03-03. Review status: criteria provided, single submitter. Criteria: GeneDx Variant Classification Process June 2021. Collection method: clinical testing. Allele origin: germline. Affected: yes.

Breakthrough Genomics
Classification: Benign. Review status: criteria provided, single submitter. Criteria: ACMG Guidelines, 2015. Collection method: not provided. Allele origin: germline. Inheritance: Autosomal recessive inheritance. Affected: yes.

PreventionGenetics, part of Exact Sciences
Classification: Benign. Review status: criteria provided, single submitter. Criteria: ACMG Guidelines, 2015. Collection method: clinical testing. Allele origin: germline.

Diagnostic Laboratory, Department of Genetics, University Medical Center Groningen
Classification: Benign for Microcephaly 1, primary, autosomal recessive. Review status: no assertion criteria provided. Collection method: clinical testing. Allele origin: germline. Affected: yes. Study: VKGL Data-share Consensus. Not counted in ClinVar's aggregate classification.

GeneReviews
No classification provided. Condition: Microcephaly 1, primary, autosomal recessive. Review status: no classification provided. Collection method: literature only. Allele origin: unknown. Not counted in ClinVar's aggregate classification.

Genetic Services Laboratory, University of Chicago
Classification: Likely benign. Review status: no assertion criteria provided. Collection method: clinical testing. Allele origin: germline. Inheritance: Autosomal recessive inheritance. Not counted in ClinVar's aggregate classification.
Comment: Likely benign based on allele frequency in 1000 Genomes Project or ESP global frequency and its presence in a patient with a rare or unrelated disease phenotype. NOT Sanger confirmed

Joint Genome Diagnostic Labs from Nijmegen and Maastricht, Radboudumc and MUMC+
Classification: Benign. Review status: no assertion criteria provided. Collection method: clinical testing. Allele origin: germline. Affected: yes. Study: VKGL Data-share Consensus. Not counted in ClinVar's aggregate classification.

Literature cited by the submitters: PubMed 20301772 (cited by GeneReviews); NCBI Bookshelf NBK9587 (cited by GeneReviews).

NM_024596.5(MCPH1):c.940G>C (p.Asp314His)

Gene: MCPH1 (microcephalin 1; plus strand). Cytogenetic location: 8p23.1.
Variant type: single nucleotide variant.
Coding change: c.940G>C on transcript NM_024596.5 (MANE Select); coding-DNA position 940, G replaced by C.
Protein change: p.Asp314His; replaces aspartic acid 314 with histidine.
Molecular consequence: missense variant. On other transcripts: non-coding transcript variant (1).
Genome position (GRCh38, 1-based): chr8:6,444,662, G>C. VCF-style: chr8-6444662-G-C. GRCh37 (hg19) VCF-style: chr8-6302183-G-C.
Other names: c.940G>C, p.Asp314His (NM_001172574.2, NM_001322042.2, NM_001363979.1 and 1 more transcripts); c.796G>C, p.Asp266His (NM_001172575.2); c.934G>C, p.Asp312His (NM_001322043.2); c.838G>C, p.Asp280His (NM_001322045.2); short protein forms D314H, D280H, D312H, D266H.
Identifiers: ClinVar variation 21705 (VCV000021705.28), dbSNP rs930557, ClinGen allele CA172550.
Genomic context (GRCh38, chr8:6,444,662, plus strand): 5'-AATCTTTCAAAGGAAGAAATAAACTTGCAAAGAAATATTGCAGGTAAAGTAGTCACCCCT[G>C]ACCAAAAGCAGGCTGCAGGTATGTCTCAGGAGACGTTTGAAGAGAAGTATCGTTTGTCTC-3'
Protein context (NP_078872.3, residues 304-324): RNIAGKVVTP[Asp314His]QKQAAGMSQE